The following is an entry in ClinVar:

NM_022095.4(ZNF335):c.3738A>C (p.Glu1246Asp)

Gene: ZNF335 (zinc finger protein 335; minus strand). Cytogenetic location: 20q13.12.
Variant type: single nucleotide variant.
Coding change: c.3738A>C on transcript NM_022095.4 (MANE Select); coding-DNA position 3738, A replaced by C.
Protein change: p.Glu1246Asp; replaces glutamic acid 1246 with aspartic acid.
Molecular consequence: missense variant.
Genome position (GRCh38, 1-based): chr20:45,949,500, T>G on the plus strand (A>C on the coding strand, the complement: ZNF335 is on the minus strand). VCF-style: chr20-45949500-T-G. GRCh37 (hg19) VCF-style: chr20-44578139-T-G.
Other names: short protein forms E1246D.
Identifiers: ClinVar variation 2814810 (VCV002814810.3), dbSNP rs2515522620, ClinGen allele CA409233841.

ClinVar aggregate classification (germline): Uncertain significance (1 of 4 stars; one submission).

Submission:

Labcorp Genetics (formerly Invitae), Labcorp
Classification: Uncertain significance. Last evaluated: 2022-11-17. Review status: criteria provided, single submitter. Criteria: Invitae Variant Classification Sherloc (09022015). Collection method: clinical testing. Allele origin: germline.
Comment: This sequence change replaces glutamic acid, which is acidic and polar, with aspartic acid, which is acidic and polar, at codon 1246 of the ZNF335 protein (p.Glu1246Asp). This variant is not present in population databases (gnomAD no frequency). This variant has not been reported in the literature in individuals affected with ZNF335-related conditions. Algorithms developed to predict the effect of missense changes on protein structure and function output the following: SIFT: "Tolerated"; PolyPhen-2: "Benign"; Align-GVGD: "Class C0". The aspartic acid amino acid residue is found in multiple mammalian species, which suggests that this missense change does not adversely affect protein function. In summary, the available evidence is currently insufficient to determine the role of this variant in disease. Therefore, it has been classified as a Variant of Uncertain Significance.